The following is an entry in ClinVar:

NM_004329.3(BMPR1A):c.1287C>G (p.Asp429Glu)

Gene: BMPR1A (bone morphogenetic protein receptor type 1A; plus strand). Cytogenetic location: 10q23.2.
Variant type: single nucleotide variant.
Coding change: c.1287C>G on transcript NM_004329.3 (MANE Select); coding-DNA position 1287, C replaced by G.
Protein change: p.Asp429Glu; replaces aspartic acid 429 with glutamic acid.
Molecular consequence: missense variant.
Genome position (GRCh38, 1-based): chr10:86,921,640, C>G. VCF-style: chr10-86921640-C-G. GRCh37 (hg19) VCF-style: chr10-88681397-C-G.
Other names: short protein forms D429E.
Identifiers: ClinVar variation 642203 (VCV000642203.13), dbSNP rs777021606, ClinGen allele CA377462246.

ClinVar aggregate classification (germline): Uncertain significance. Review status: criteria provided, multiple submitters, no conflicts (2 of 4 stars). 2 submissions from 2 submitters: Uncertain significance (2). Last evaluated 2026-03-27.

Conditions:
Juvenile polyposis syndrome (JPS). Identifiers: Orphanet 2929, MedGen C0345893, MONDO:0017380, OMIM 174900.
Hereditary cancer-predisposing syndrome. Also called: Tumor predisposition; Hereditary Cancer Syndrome; Neoplastic Syndromes, Hereditary; Hereditary neoplastic syndrome. Identifiers: Orphanet 140162, MedGen C0027672, MeSH D009386, MONDO:0015356.

Submissions (2):

Ambry Genetics
Classification: Uncertain significance for Hereditary cancer-predisposing syndrome. Last evaluated: 2026-03-27. Review status: criteria provided, single submitter. Criteria: Ambry Variant Classification Scheme 2023. Collection method: clinical testing. Allele origin: germline.
Comment: The p.D429E variant (also known as c.1287C>G), located in coding exon 9 of the BMPR1A gene, results from a C to G substitution at nucleotide position 1287. The aspartic acid at codon 429 is replaced by glutamic acid, an amino acid with highly similar properties. This amino acid position is conserved. In addition, this alteration is predicted to be deleterious by in silico analysis. Based on the available evidence, the clinical significance of this variant remains unclear.

Labcorp Genetics (formerly Invitae), Labcorp
Classification: Uncertain significance for Juvenile polyposis syndrome. Last evaluated: 2022-06-07. Review status: criteria provided, single submitter. Criteria: Invitae Variant Classification Sherloc (09022015). Collection method: clinical testing. Allele origin: germline.
Comment: This sequence change replaces aspartic acid, which is acidic and polar, with glutamic acid, which is acidic and polar, at codon 429 of the BMPR1A protein (p.Asp429Glu). This variant is not present in population databases (gnomAD no frequency). This variant has not been reported in the literature in individuals affected with BMPR1A-related conditions. ClinVar contains an entry for this variant (Variation ID: 642203). Advanced modeling of protein sequence and biophysical properties (such as structural, functional, and spatial information, amino acid conservation, physicochemical variation, residue mobility, and thermodynamic stability) performed at Invitae indicates that this missense variant is expected to disrupt BMPR1A protein function. In summary, the available evidence is currently insufficient to determine the role of this variant in disease. Therefore, it has been classified as a Variant of Uncertain Significance.